The following is an entry in ClinVar:

NM_024642.5(GALNT12):c.2_13del (p.Met1_Arg4del)

Gene: GALNT12 (polypeptide N-acetylgalactosaminyltransferase 12; plus strand). Cytogenetic location: 9q22.33.
Variant type: Deletion.
Coding change: c.2_13del on transcript NM_024642.5 (MANE Select); coding-DNA positions 2 to 13, 12 bases deleted (TGTGGGGGCGCA).
Protein change: p.Met1_Arg4del.
Molecular consequence: inframe deletion, initiator codon variant.
Genome position (GRCh38, 1-based): chr9:98,807,700-98,807,711, TGTGGGGGCGCA deleted; deleting any 12 consecutive bases within chr9:98,807,693-98,807,711 gives the same sequence; the c. name uses the placement nearest the transcript's 3' end. VCF-style (leftmost placement, unchanged base first): chr9-98807692-CGGGCGCATGTGG-C. GRCh37 (hg19) VCF-style: chr9-101569974-CGGGCGCATGTGG-C.
Identifiers: ClinVar variation 844390 (VCV000844390.10), dbSNP rs1835403535, ClinGen allele CA916083055.

ClinVar aggregate classification (germline): Uncertain significance (1 of 4 stars; one submission).

Submission:

Labcorp Genetics (formerly Invitae), Labcorp
Classification: Uncertain significance. Last evaluated: 2019-12-11. Review status: criteria provided, single submitter. Criteria: Invitae Variant Classification Sherloc (09022015). Collection method: clinical testing. Allele origin: germline.
Comment: In summary, the available evidence is currently insufficient to determine the role of this variant in disease. Therefore, it has been classified as a Variant of Uncertain Significance. This variant has not been reported in the literature in individuals with GALNT12-related conditions. The frequency data for this variant in the population databases is considered unreliable, as metrics indicate insufficient coverage at this position in the ExAC database. This sequence change affects the initiator methionine of the GALNT12 mRNA. The next in-frame methionine is located at codon 65.